The following is an entry in ClinVar:

ClinVar aggregate classification (germline): Likely benign. Review status: criteria provided, single submitter (1 of 4 stars). 2 submissions from 2 submitters: Likely benign (1). 1 of the submissions does not count toward it. Last evaluated 2021-08-26.

Conditions:
MYPN-related disorder. Also called: MYPN-related condition.
Dilated cardiomyopathy 1KK (CMD1KK). Identifiers: Orphanet 154, Orphanet 75249, MedGen C3714995, MONDO:0014100, OMIM 615248.

Allele frequency attached by ClinVar (database versions not stated): gnomAD exomes below 0.00001 and 0.00001.
gnomAD v4.1: 3 of 1,610,500 alleles (0.00019%); highest among the groups gnomAD compares: African/African-American, 0.0027%; no homozygotes.

Submissions (2):

Labcorp Genetics (formerly Invitae), Labcorp
Classification: Likely benign for Dilated cardiomyopathy 1KK. Last evaluated: 2021-08-26. Review status: criteria provided, single submitter. Criteria: Invitae Variant Classification Sherloc (09022015). Collection method: clinical testing. Allele origin: germline.

PreventionGenetics, part of Exact Sciences
Classification: Likely benign for MYPN-related condition. Last evaluated: 2022-07-14. Review status: no assertion criteria provided. Collection method: clinical testing. Allele origin: germline. Not counted in ClinVar's aggregate classification.
Comment: This variant is classified as likely benign based on ACMG/AMP sequence variant interpretation guidelines (Richards et al. 2015 PMID: 25741868, with internal and published modifications).

NM_032578.4(MYPN):c.1130+8T>C

Gene: MYPN (myopalladin; plus strand). Cytogenetic location: 10q21.3.
Variant type: single nucleotide variant.
Coding change: c.1130+8T>C on transcript NM_032578.4 (MANE Select); 8 bases into the intron after coding-DNA position 1130, T replaced by C.
Molecular consequence: intron variant.
Genome position (GRCh38, 1-based): chr10:68,145,534, T>C. VCF-style: chr10-68145534-T-C. GRCh37 (hg19) VCF-style: chr10-69905291-T-C.
Other names: c.1130+8T>C (NM_032578.3, NM_001256267.2); c.248+8T>C (NM_001256268.2).
Identifiers: ClinVar variation 1624210 (VCV001624210.10), dbSNP rs375465809, ClinGen allele CA5522443.